The following is an entry in ClinVar:

NM_001145358.2(SIN3A):c.474-1G>T

Gene: SIN3A (SIN3 transcription regulator family member A; minus strand). Cytogenetic location: 15q24.2.
Variant type: single nucleotide variant.
Coding change: c.474-1G>T on transcript NM_001145358.2 (MANE Select); the canonical splice acceptor site of the intron before coding-DNA position 474, G replaced by T.
Molecular consequence: splice acceptor variant.
Genome position (GRCh38, 1-based): chr15:75,413,046, C>A on the plus strand (G>T on the coding strand, the complement: SIN3A is on the minus strand). VCF-style: chr15-75413046-C-A. GRCh37 (hg19) VCF-style: chr15-75705387-C-A.
Other names: c.474-1G>T (NM_001145357.2, NM_001437462.1, NM_015477.3 and 1 more transcripts).
Identifiers: ClinVar variation 4850011 (VCV004850011.1).
Genomic context (GRCh38, chr15:75,413,046, plus strand): 5'-AGATCGGGGTGGCCTTTGAATAGCTGGGACACACGACTAATCACTCCTGGGGTGTCGATG[C>A]TGATAAAAAACAAAAAGAAAAGTGATAAACTGTAAGCTTAACAAACACCCTGTTAAGAAA-3'

ClinVar aggregate classification (germline): Likely pathogenic (1 of 4 stars; one submission).

Conditions:
SIN3A-related intellectual disability syndrome due to a point mutation. Also called: 15q24 Microdeletion Syndrome; WITTEVEEN-KOLK SYNDROME. Identifiers: Orphanet 500166, Orphanet 94065, MedGen C4310804, MONDO:0044700, OMIM 613406.

gnomAD v4.1: 1 of 1,586,804 alleles (0.000063%); highest among the groups gnomAD compares: Admixed American, 0.0019%; no homozygotes.

Submission:

Variantyx, Inc.
Classification: Likely pathogenic for SIN3A-related intellectual disability syndrome due to a point mutation. Last evaluated: 2025-10-16. Review status: criteria provided, single submitter. Criteria: Variantyx Assertion Criteria 2022. Collection method: clinical testing. Allele origin: germline. Inheritance: Autosomal dominant inheritance. Affected: yes.
Comment: This is a canonical splicing variant in the SIN3A gene (OMIM: 607776). Pathogenic variants in this gene have been associated with autosomal dominant Witteveen-Kolk syndrome. This splicing variant is expected to result in loss of function, which is a known disease mechanism for SIN3A in this disorder (PMID: 33437032, 27399968) (PVS1). It has a 0.0028% maximum allele frequency in non-founder control populations (PM2). Based on the current evidence, this variant is classified as likely pathogenic for autosomal dominant Witteveen-Kolk syndrome.

Literature cited by the submitters: PubMed 27399968; PubMed 33437032.